The following is an entry in ClinVar:

ClinVar aggregate classification (germline): Uncertain significance. Review status: criteria provided, multiple submitters, no conflicts (2 of 4 stars). 2 submissions from 2 submitters: Uncertain significance (2). Last evaluated 2025-03-24.

Conditions:
Gorlin syndrome. Also called: Nevoid Basal Cell Carcinoma Syndrome; Basal cell nevus syndrome. Identifiers: Orphanet 377, MedGen C0004779, MONDO:0007187.
Hereditary cancer-predisposing syndrome. Also called: Hereditary neoplastic syndrome; Tumor predisposition; Hereditary Cancer Syndrome; Neoplastic Syndromes, Hereditary. Identifiers: Orphanet 140162, MedGen C0027672, MeSH D009386, MONDO:0015356.

gnomAD v4.1: 5 of 1,614,078 alleles (0.00031%); highest among the groups gnomAD compares: Non-Finnish European, 0.00042%; no homozygotes.

Submissions (2):

Labcorp Genetics (formerly Invitae), Labcorp
Classification: Uncertain significance for Gorlin syndrome. Last evaluated: 2025-03-24. Review status: criteria provided, single submitter. Criteria: Invitae Variant Classification Sherloc (09022015). Collection method: clinical testing. Allele origin: germline.
Comment: This sequence change replaces proline, which is neutral and non-polar, with arginine, which is basic and polar, at codon 642 of the PTCH1 protein (p.Pro642Arg). This variant is not present in population databases (gnomAD no frequency). This variant has not been reported in the literature in individuals affected with PTCH1-related conditions. ClinVar contains an entry for this variant (Variation ID: 1421414). Invitae Evidence Modeling of protein sequence and biophysical properties (such as structural, functional, and spatial information, amino acid conservation, physicochemical variation, residue mobility, and thermodynamic stability) indicates that this missense variant is not expected to disrupt PTCH1 protein function with a negative predictive value of 95%. In summary, the available evidence is currently insufficient to determine the role of this variant in disease. Therefore, it has been classified as a Variant of Uncertain Significance.

Ambry Genetics
Classification: Uncertain significance for Hereditary cancer-predisposing syndrome. Last evaluated: 2024-05-23. Review status: criteria provided, single submitter. Criteria: Ambry Variant Classification Scheme 2023. Collection method: clinical testing. Allele origin: germline.
Comment: The p.P642R variant (also known as c.1925C>G), located in coding exon 14 of the PTCH1 gene, results from a C to G substitution at nucleotide position 1925. The proline at codon 642 is replaced by arginine, an amino acid with dissimilar properties. This amino acid position is highly conserved in available vertebrate species. In addition, this alteration is predicted to be deleterious by in silico analysis. Based on the available evidence, the clinical significance of this variant remains unclear.

NM_000264.5(PTCH1):c.1925C>G (p.Pro642Arg)

Genes: PTCH1 (patched 1; minus strand), LOC100507346 (uncharacterized LOC100507346; plus strand). Cytogenetic location: 9q22.32.
Variant type: single nucleotide variant.
Coding change: c.1925C>G on transcript NM_000264.5 (MANE Select); coding-DNA position 1925, C replaced by G.
Protein change: p.Pro642Arg; replaces proline 642 with arginine.
Molecular consequence: missense variant. On other transcripts: non-coding transcript variant (2).
Genome position (GRCh38, 1-based): chr9:95,469,076, G>C on the plus strand (C>G on the coding strand, the complement: PTCH1 is on the minus strand). VCF-style: chr9-95469076-G-C. GRCh37 (hg19) VCF-style: chr9-98231358-G-C.
Other names: c.1727C>G, p.Pro576Arg (NM_001083602.3); c.1922C>G, p.Pro641Arg (NM_001083603.3); c.1472C>G, p.Pro491Arg (NM_001083604.3, NM_001083605.3, NM_001083606.3 and 1 more transcripts); c.1769C>G, p.Pro590Arg (NM_001354918.2); short protein forms P491R, P576R, P641R, P642R, P590R.
Identifiers: ClinVar variation 1421414 (VCV001421414.10), dbSNP rs762371629, ClinGen allele CA374116034.